The following is an entry in ClinVar:

ClinVar aggregate classification (germline): Uncertain significance. Review status: criteria provided, single submitter (1 of 4 stars). 2 submissions from 2 submitters: Uncertain significance (1). 1 of the submissions does not count toward it. Last evaluated 2025-08-19.

Conditions:
MYOM2-related disorder. Also called: MYOM2-related condition.

Allele frequency attached by ClinVar (database versions not stated): ExAC 0.00039; TOPMed 0.00091; ESP Exome Variant Server 0.00092; gnomAD 0.00094; 1000 Genomes Project 0.00200; 1000 Genomes Project 30x 0.00203.
gnomAD v4.1: 338 of 1,614,144 alleles (0.021%); highest among the groups gnomAD compares: African/African-American, 0.29%; no homozygotes.

Submissions (2):

Ambry Genetics
Classification: Uncertain significance. Last evaluated: 2025-08-19. Review status: criteria provided, single submitter. Criteria: Ambry Variant Classification Scheme 2023. Collection method: clinical testing. Allele origin: germline.

PreventionGenetics, part of Exact Sciences
Classification: Likely benign for MYOM2-related condition. Last evaluated: 2022-07-08. Review status: no assertion criteria provided. Collection method: clinical testing. Allele origin: germline. Not counted in ClinVar's aggregate classification.
Comment: This variant is classified as likely benign based on ACMG/AMP sequence variant interpretation guidelines (Richards et al. 2015 PMID: 25741868, with internal and published modifications).

NM_003970.4(MYOM2):c.2812G>A (p.Ala938Thr)

Genes: MYOM2 (myomesin 2; plus strand), LOC126860282 (BRD4-independent group 4 enhancer GRCh37_chr8:2053383-2054582; plus strand). Cytogenetic location: 8p23.3.
Variant type: single nucleotide variant.
Coding change: c.2812G>A on transcript NM_003970.4 (MANE Select); coding-DNA position 2812, G replaced by A.
Protein change: p.Ala938Thr; replaces alanine 938 with threonine.
Molecular consequence: missense variant.
Genome position (GRCh38, 1-based): chr8:2,106,319, G>A. VCF-style: chr8-2106319-G-A. GRCh37 (hg19) VCF-style: chr8-2054109-G-A.
Other names: c.2812G>A (NM_003970.2); short protein forms A938T.
Identifiers: ClinVar variation 3049272 (VCV003049272.3), dbSNP rs61733861, ClinGen allele CA170459325.
Genomic context (GRCh38, chr8:2,106,319, plus strand): 5'-GCTGGTGTCGATGAACAAGGCAACATCTATCTGGGCTTCGACTGCCAGGAAATGACAGAC[G>A]CGTCTCAGTTCACCTGGTGTAAATCCTACGAGGAGATTTCAGATGATGAGAGGTTTAAAA-3'
Protein context (NP_003961.3, residues 928-948): LGFDCQEMTD[Ala938Thr]SQFTWCKSYE